The following is an entry in ClinVar:

ClinVar aggregate classification (germline): Uncertain significance (1 of 4 stars; one submission).

Conditions:
Aicardi-Goutieres syndrome 6 (AGS6). Identifiers: Orphanet 51, MedGen C3539013, MONDO:0014007, OMIM 615010.
Symmetrical dyschromatosis of extremities (DSH). Also called: RETICULATE ACROPIGMENTATION OF DOHI; SYMMETRIC DYSCHROMATOSIS OF THE EXTREMITIES; Dyschromatosis symmetrica hereditaria; DYSCHROMATOSIS SYMMETRICA HEREDITARIA 1. Identifiers: Orphanet 41, MedGen C0406775, MONDO:0007483, OMIM 127400.

Allele frequency attached by ClinVar (database versions not stated): gnomAD 0.00001.
gnomAD v4.1: 1 of 1,613,762 alleles (0.000062%); highest among the groups gnomAD compares: African/African-American, 0.0013%; no homozygotes.

Submission:

Labcorp Genetics (formerly Invitae), Labcorp
Classification: Uncertain significance for Aicardi-Goutieres syndrome 6; Symmetrical dyschromatosis of extremities. Last evaluated: 2022-10-17. Review status: criteria provided, single submitter. Criteria: Invitae Variant Classification Sherloc (09022015). Collection method: clinical testing. Allele origin: germline.
Comment: In summary, the available evidence is currently insufficient to determine the role of this variant in disease. Therefore, it has been classified as a Variant of Uncertain Significance. Algorithms developed to predict the effect of missense changes on protein structure and function output the following: SIFT: "Tolerated"; PolyPhen-2: "Benign"; Align-GVGD: "Class C0". The alanine amino acid residue is found in multiple mammalian species, which suggests that this missense change does not adversely affect protein function. This variant has not been reported in the literature in individuals affected with ADAR-related conditions. This variant is not present in population databases (gnomAD no frequency). This sequence change replaces threonine, which is neutral and polar, with alanine, which is neutral and non-polar, at codon 805 of the ADAR protein (p.Thr805Ala).

NM_001111.5(ADAR):c.2413A>G (p.Thr805Ala)

Gene: ADAR (adenosine deaminase RNA specific; minus strand). Cytogenetic location: 1q21.3.
Variant type: single nucleotide variant.
Coding change: c.2413A>G on transcript NM_001111.5 (MANE Select); coding-DNA position 2413, A replaced by G.
Protein change: p.Thr805Ala; replaces threonine 805 with alanine.
Molecular consequence: missense variant.
Genome position (GRCh38, 1-based): chr1:154,590,267, T>C on the plus strand (A>G on the coding strand, the complement: ADAR is on the minus strand). VCF-style: chr1-154590267-T-C. GRCh37 (hg19) VCF-style: chr1-154562743-T-C.
Other names: c.2440A>G, p.Thr814Ala (NM_001365045.1); c.1528A>G, p.Thr510Ala (NM_001365046.1, NM_001365047.1, NM_001365048.1 and 3 more transcripts); c.2413A>G, p.Thr805Ala (NM_015840.4); c.2356A>G, p.Thr786Ala (NM_015841.4); short protein forms T510A, T786A, T805A, T814A.
Identifiers: ClinVar variation 1721531 (VCV001721531.5), dbSNP rs1325328855, ClinGen allele CA342637303.